The following is an entry in ClinVar:

NM_005228.5(EGFR):c.2314C>T (p.Pro772Ser)

Genes: EGFR (epidermal growth factor receptor; plus strand), EGFR-AS1 (EGFR antisense RNA 1; minus strand). Cytogenetic location: 7p11.2.
Variant type: single nucleotide variant.
Coding change: c.2314C>T on transcript NM_005228.5 (MANE Select); coding-DNA position 2314, C replaced by T.
Protein change: p.Pro772Ser; replaces proline 772 with serine.
Molecular consequence: missense variant. On other transcripts: non-coding transcript variant (1).
Genome position (GRCh38, 1-based): chr7:55,181,323, C>T. VCF-style: chr7-55181323-C-T. GRCh37 (hg19) VCF-style: chr7-55249016-C-T.
Other names: c.2179C>T, p.Pro727Ser (NM_001346897.2, NM_001346899.2); c.2314C>T, p.Pro772Ser (NM_001346898.2); c.2155C>T, p.Pro719Ser (NM_001346900.2); c.1513C>T, p.Pro505Ser (NM_001346941.2); short protein forms P719S, P505S, P772S, P727S.
Identifiers: ClinVar variation 4742224 (VCV004742224.1).
Genomic context (GRCh38, chr7:55,181,323, plus strand): 5'-CCACACTGACGTGCCTCTCCCTCCCTCCAGGAAGCCTACGTGATGGCCAGCGTGGACAAC[C>T]CCCACGTGTGCCGCCTGCTGGGCATCTGCCTCACCTCCACCGTGCAGCTCATCACGCAGC-3'
Protein context (NP_005219.2, residues 762-782): EAYVMASVDN[Pro772Ser]HVCRLLGICL

ClinVar aggregate classification (germline): Uncertain significance (1 of 4 stars; one submission).

Conditions:
EGFR-related lung cancer (EGFR). Identifiers: MedGen CN130014.

Submission:

Labcorp Genetics (formerly Invitae), Labcorp
Classification: Uncertain significance for EGFR-related lung cancer. Last evaluated: 2025-04-30. Review status: criteria provided, single submitter. Criteria: Invitae Variant Classification Sherloc (09022015). Collection method: clinical testing. Allele origin: germline.
Comment: This sequence change replaces proline, which is neutral and non-polar, with serine, which is neutral and polar, at codon 772 of the EGFR protein (p.Pro772Ser). This variant is not present in population databases (gnomAD no frequency). This variant has not been reported in the literature in individuals affected with EGFR-related conditions. Invitae Evidence Modeling of protein sequence and biophysical properties (such as structural, functional, and spatial information, amino acid conservation, physicochemical variation, residue mobility, and thermodynamic stability) indicates that this missense variant is not expected to disrupt EGFR protein function with a negative predictive value of 80%. In summary, the available evidence is currently insufficient to determine the role of this variant in disease. Therefore, it has been classified as a Variant of Uncertain Significance.